The following is an entry in ClinVar:

NM_006231.4(POLE):c.3646G>C (p.Gly1216Arg)

Gene: POLE (DNA polymerase epsilon, catalytic subunit; minus strand). Cytogenetic location: 12q24.33.
Variant type: single nucleotide variant.
Coding change: c.3646G>C on transcript NM_006231.4 (MANE Select); coding-DNA position 3646, G replaced by C.
Protein change: p.Gly1216Arg; replaces glycine 1216 with arginine.
Molecular consequence: missense variant.
Genome position (GRCh38, 1-based): chr12:132,649,826, C>G on the plus strand (G>C on the coding strand, the complement: POLE is on the minus strand). VCF-style: chr12-132649826-C-G. GRCh37 (hg19) VCF-style: chr12-133226412-C-G.
Other names: short protein forms G1216R.
Identifiers: ClinVar variation 1733556 (VCV001733556.2), dbSNP rs200114024, ClinGen allele CA387386802.

ClinVar aggregate classification (germline): Uncertain significance (1 of 4 stars; one submission).

Conditions:
Hereditary cancer-predisposing syndrome. Also called: Neoplastic Syndromes, Hereditary; Tumor predisposition; Hereditary Cancer Syndrome; Hereditary neoplastic syndrome. Identifiers: Orphanet 140162, MedGen C0027672, MeSH D009386, MONDO:0015356.

gnomAD v4.1: 2 of 1,614,120 alleles (0.00012%); highest among the groups gnomAD compares: Non-Finnish European, 0.00017%; no homozygotes.

Submission:

Ambry Genetics
Classification: Uncertain significance for Hereditary cancer-predisposing syndrome. Last evaluated: 2022-01-12. Review status: criteria provided, single submitter. Criteria: Ambry Variant Classification Scheme 2023. Collection method: clinical testing. Allele origin: germline.
Comment: The p.G1216R variant (also known as c.3646G>C), located in coding exon 30 of the POLE gene, results from a G to C substitution at nucleotide position 3646. The glycine at codon 1216 is replaced by arginine, an amino acid with dissimilar properties. This amino acid position is conserved. In addition, the in silico prediction for this alteration is inconclusive. Since supporting evidence is limited at this time, the clinical significance of this alteration remains unclear.